The following is an entry in ClinVar:

ClinVar aggregate classification (germline): Uncertain significance (1 of 4 stars; one submission).

Conditions:
Werner syndrome (WRN). Identifiers: Orphanet 902, MedGen C0043119, MONDO:0010196, OMIM 277700.

Allele frequency attached by ClinVar (database versions not stated): gnomAD exomes below 0.00001 and 0.00001; TOPMed below 0.00001.
gnomAD v4.1: 9 of 1,614,030 alleles (0.00056%); highest among the groups gnomAD compares: East Asian, 0.0022%; no homozygotes.

Submission:

Labcorp Genetics (formerly Invitae), Labcorp
Classification: Uncertain significance for Werner syndrome. Last evaluated: 2019-08-22. Review status: criteria provided, single submitter. Criteria: Invitae Variant Classification Sherloc (09022015). Collection method: clinical testing. Allele origin: germline.
Comment: This sequence change replaces tyrosine with histidine at codon 1157 of the WRN protein (p.Tyr1157His). The tyrosine residue is highly conserved and there is a moderate physicochemical difference between tyrosine and histidine. This variant is not present in population databases (ExAC no frequency). This variant has not been reported in the literature in individuals with WRN-related conditions. Algorithms developed to predict the effect of missense changes on protein structure and function are either unavailable or do not agree on the potential impact of this missense change (SIFT: Deleterious; PolyPhen-2: Probably Damaging; Align-GVGD: Class C0). In summary, the available evidence is currently insufficient to determine the role of this variant in disease. Therefore, it has been classified as a Variant of Uncertain Significance.

NM_000553.6(WRN):c.3469T>C (p.Tyr1157His)

Gene: WRN (WRN RecQ like helicase; plus strand). Cytogenetic location: 8p12.
Variant type: single nucleotide variant.
Coding change: c.3469T>C on transcript NM_000553.6 (MANE Select); coding-DNA position 3469, T replaced by C.
Protein change: p.Tyr1157His; replaces tyrosine 1157 with histidine.
Molecular consequence: missense variant.
Genome position (GRCh38, 1-based): chr8:31,147,373, T>C. VCF-style: chr8-31147373-T-C. GRCh37 (hg19) VCF-style: chr8-31004889-T-C.
Other names: short protein forms Y1157H.
Identifiers: ClinVar variation 958972 (VCV000958972.2), dbSNP rs1413539358, ClinGen allele CA370925655.